The following is an entry in ClinVar:

NM_004991.4(MECOM):c.1540G>A (p.Gly514Arg)

Gene: MECOM (MDS1 and EVI1 complex locus; minus strand). Cytogenetic location: 3q26.2.
Variant type: single nucleotide variant.
Coding change: c.1540G>A on transcript NM_004991.4 (MANE Select); coding-DNA position 1540, G replaced by A.
Protein change: p.Gly514Arg; replaces glycine 514 with arginine.
Molecular consequence: missense variant. On other transcripts: intron variant (2).
Genome position (GRCh38, 1-based): chr3:169,116,332, C>T on the plus strand (G>A on the coding strand, the complement: MECOM is on the minus strand). VCF-style: chr3-169116332-C-T. GRCh37 (hg19) VCF-style: chr3-168834120-C-T.
Other names: c.1171G>A, p.Gly391Arg (NM_001105077.4); c.976G>A, p.Gly326Arg (NM_001105078.4, NM_001164000.2, NM_001205194.2 and 4 more transcripts); c.979G>A, p.Gly327Arg (NM_001163999.2, NM_001366467.2, NM_001366468.2 and 1 more transcripts); c.1540G>A, p.Gly514Arg (NM_001366466.2); c.1133-565G>A (NM_001366473.2); c.569-565G>A (NM_001366474.2); short protein forms G326R, G327R, G391R, G514R.
Identifiers: ClinVar variation 4859782 (VCV004859782.1).
Genomic context (GRCh38, chr3:169,116,332, plus strand): 5'-TCTGAGGATGTGTCATGAGGGGACTTTGACTTTTGTTTGTCTGTTCAGTACTTGATAGTC[C>T]TTTAACAGGAGAACTAGCAGGTATCAAAGGAGGCCTGTGGTACAAGCCGGAAGGAAACAG-3'
Protein context (NP_004982.2, residues 504-524): PLIPASSPVK[Gly514Arg]LSSTEQTNKS

ClinVar aggregate classification (germline): Uncertain significance (1 of 4 stars; one submission).

Conditions:
Inborn genetic diseases. Identifiers: MedGen C0950123, MeSH D030342.

gnomAD v4.1: 1 of 1,614,134 alleles (0.000062%); highest among the groups gnomAD compares: Non-Finnish European, 0.000085%; no homozygotes.

Submission:

Ambry Genetics
Classification: Uncertain significance for Inborn genetic diseases. Last evaluated: 2026-05-15. Review status: criteria provided, single submitter. Criteria: Ambry Variant Classification Scheme 2023. Collection method: clinical testing. Allele origin: germline.
Comment: The p.G514R variant (also known as c.1540G>A), located in coding exon 8 of the MECOM gene, results from a G to A substitution at nucleotide position 1540. The glycine at codon 514 is replaced by arginine, an amino acid with dissimilar properties. This amino acid position is conserved. In addition, the in silico prediction for this alteration is inconclusive. Based on the available evidence, the clinical significance of this variant remains unclear.